The following is an entry in ClinVar:

NM_000116.5(TAFAZZIN):c.154G>C (p.Glu52Gln)

Gene: TAFAZZIN (tafazzin, phospholipid-lysophospholipid transacylase; plus strand). Cytogenetic location: Xq28.
Variant type: single nucleotide variant.
Coding change: c.154G>C on transcript NM_000116.5 (MANE Select); coding-DNA position 154, G replaced by C.
Protein change: p.Glu52Gln; replaces glutamic acid 52 with glutamine.
Molecular consequence: missense variant. On other transcripts: non-coding transcript variant (1).
Genome position (GRCh38, 1-based): chrX:154,412,130, G>C. VCF-style: chrX-154412130-G-C. GRCh37 (hg19) VCF-style: chrX-153640467-G-C.
Other names: c.208G>C, p.Glu70Gln (NM_001303465.2, NM_001410698.1); c.154G>C, p.Glu52Gln (NM_181311.4, NM_181312.4, NM_181313.4); c.154G>C (NM_000116.3); short protein forms E70Q, E52Q.
Identifiers: ClinVar variation 2916897 (VCV002916897.4), dbSNP rs794729166, ClinGen allele CA415179654.

ClinVar aggregate classification (germline): Uncertain significance. Review status: criteria provided, multiple submitters, no conflicts (2 of 4 stars). 2 submissions from 2 submitters: Uncertain significance (2). Last evaluated 2025-04-04.

Conditions:
3-Methylglutaconic aciduria type 2 (BTHS). Also called: CARDIOSKELETAL MYOPATHY WITH NEUTROPENIA AND ABNORMAL MITOCHONDRIA; Barth syndrome. Identifiers: Orphanet 111, MedGen C0574083, MONDO:0010543, OMIM 302060.
Cardiovascular phenotype. Identifiers: MedGen CN230736.

gnomAD v4.1: 9 of 1,207,884 alleles (0.00075%); highest among the groups gnomAD compares: South Asian, 0.014%; no homozygotes.

Submissions (2):

Ambry Genetics
Classification: Uncertain significance for Cardiovascular phenotype. Last evaluated: 2025-04-04. Review status: criteria provided, single submitter. Criteria: Ambry Variant Classification Scheme 2023. Collection method: clinical testing. Allele origin: germline.
Comment: The p.E52Q variant (also known as c.154G>C), located in coding exon 2 of the TAZ gene, results from a G to C substitution at nucleotide position 154. The glutamic acid at codon 52 is replaced by glutamine, an amino acid with highly similar properties. This amino acid position is not well conserved in available vertebrate species. In addition, the in silico prediction for this alteration is inconclusive. Based on the available evidence, the clinical significance of this variant remains unclear.

Labcorp Genetics (formerly Invitae), Labcorp
Classification: Uncertain significance for 3-Methylglutaconic aciduria type 2. Last evaluated: 2024-01-04. Review status: criteria provided, single submitter. Criteria: Invitae Variant Classification Sherloc (09022015). Collection method: clinical testing. Allele origin: germline.
Comment: This sequence change replaces glutamic acid, which is acidic and polar, with glutamine, which is neutral and polar, at codon 52 of the TAZ protein (p.Glu52Gln). This variant is not present in population databases (gnomAD no frequency). This variant has not been reported in the literature in individuals affected with TAZ-related conditions. An algorithm developed to predict the effect of missense changes on protein structure and function (PolyPhen-2) suggests that this variant is likely to be tolerated. In summary, the available evidence is currently insufficient to determine the role of this variant in disease. Therefore, it has been classified as a Variant of Uncertain Significance.